The following is an entry in ClinVar:

ClinVar aggregate classification (germline): Uncertain significance (1 of 4 stars; one submission).

gnomAD v4.1: 3 of 1,613,348 alleles (0.00019%); highest among the groups gnomAD compares: Non-Finnish European, 0.00025%; no homozygotes.

Submission:

Labcorp Genetics (formerly Invitae), Labcorp
Classification: Uncertain significance. Last evaluated: 2021-09-02. Review status: criteria provided, single submitter. Criteria: Invitae Variant Classification Sherloc (09022015). Collection method: clinical testing. Allele origin: germline.
Comment: This sequence change replaces glutamic acid with glutamine at codon 124 of the SAMD11 protein (p.Glu124Gln). The glutamic acid residue is moderately conserved and there is a small physicochemical difference between glutamic acid and glutamine. This variant is present in population databases (rs766920989, ExAC 0.002%). This variant has not been reported in the literature in individuals affected with SAMD11-related conditions. Algorithms developed to predict the effect of missense changes on protein structure and function are either unavailable or do not agree on the potential impact of this missense change (SIFT: "Deleterious"; PolyPhen-2: "Probably Damaging"; Align-GVGD: "Class C0"). In summary, the available evidence is currently insufficient to determine the role of this variant in disease. Therefore, it has been classified as a Variant of Uncertain Significance.

NM_001385641.1(SAMD11):c.907G>C (p.Glu303Gln)

Gene: SAMD11 (sterile alpha motif domain containing 11; plus strand). Cytogenetic location: 1p36.33.
Variant type: single nucleotide variant.
Coding change: c.907G>C on transcript NM_001385641.1 (MANE Select); coding-DNA position 907, G replaced by C.
Protein change: p.Glu303Gln; replaces glutamic acid 303 with glutamine.
Molecular consequence: missense variant.
Genome position (GRCh38, 1-based): chr1:935,836, G>C. VCF-style: chr1-935836-G-C. GRCh37 (hg19) VCF-style: chr1-871216-G-C.
Other names: c.907G>C, p.Glu303Gln (NM_001385640.1); c.370G>C, p.Glu124Gln (NM_152486.4); short protein forms E124Q, E303Q.
Identifiers: ClinVar variation 1523692 (VCV001523692.5), dbSNP rs766920989, ClinGen allele CA502580.